The following is an entry in ClinVar:

NM_007294.4(BRCA1):c.3062del (p.Ser1021fs)

Gene: BRCA1 (BRCA1 DNA repair associated; minus strand). Cytogenetic location: 17q21.31.
Variant type: Deletion.
Coding change: c.3062del on transcript NM_007294.4 (MANE Select); coding-DNA position 3062, one base deleted (G; older notation c.3062delG).
Protein change: p.Ser1021fs; shifts the reading frame from serine 1021.
Molecular consequence: frameshift variant. On other transcripts: intron variant (137).
Genome position (GRCh38, 1-based): chr17:43,092,469, C deleted on the plus strand (G on the coding strand, the reverse complement: BRCA1 is on the minus strand). VCF-style (leftmost placement, unchanged base first): chr17-43092468-AC-A. GRCh37 (hg19) VCF-style: chr17-41244485-AC-A.
Other names: c.2849del, p.Ser950fs (NM_001407571.1, NM_001407853.1, NM_001407894.1 and 9 more transcripts); c.3062del, p.Ser1021fs (NM_001407581.1, NM_001407582.1, NM_001407583.1 and 30 more transcripts); c.3059del, p.Ser1020fs (NM_001407587.1, NM_001407590.1, NM_001407591.1 and 22 more transcripts); c.3053del, p.Ser1018fs (NM_001407646.1, NM_001407647.1); c.2939del, p.Ser980fs (NM_001407648.1, NM_001407664.1, NM_001407665.1 and 19 more transcripts); c.2936del, p.Ser979fs (NM_001407649.1, NM_001407670.1, NM_001407671.1 and 11 more transcripts); c.2984del, p.Ser995fs (NM_001407653.1, NM_001407654.1, NM_001407655.1 and 4 more transcripts); c.2981del, p.Ser994fs (NM_001407659.1, NM_001407660.1, NM_001407661.1 and 1 more transcripts); and 41 more; short protein forms S1021fs, S974fs, S1020fs, S932fs, S980fs, S994fs, S995fs, S893fs.
Identifiers: ClinVar variation 431239 (VCV000431239.6), dbSNP rs1135401857, ClinGen allele CA645373185.

ClinVar aggregate classification (germline): Pathogenic. Review status: reviewed by expert panel (3 of 4 stars). 3 submissions from 3 submitters: Pathogenic (1). 2 of the submissions do not count toward it. Last evaluated 2017-12-15.

Conditions:
Hereditary cancer-predisposing syndrome. Also called: Neoplastic Syndromes, Hereditary; Hereditary neoplastic syndrome; Tumor predisposition; Hereditary Cancer Syndrome. Identifiers: Orphanet 140162, MedGen C0027672, MeSH D009386, MONDO:0015356.
Hereditary breast ovarian cancer syndrome. Also called: Hereditary breast and ovarian cancer syndrome (HBOC); BRCA1- and BRCA2-Associated Hereditary Breast and Ovarian Cancer; Hereditary breast and/or ovarian cancer syndrome; Hereditary breast and ovarian cancer syndrome; Hereditary breast and ovarian cancer; Breast and ovarian cancer. Identifiers: Orphanet 145, MedGen C0677776, MeSH D061325, MONDO:0003582. Disease mechanism: loss of function.
Breast-ovarian cancer, familial, susceptibility to, 1 (BROVCA1). Also called: BRCA1 Hereditary Breast and Ovarian Cancer; OVARIAN CANCER, SUSCEPTIBILITY TO. Identifiers: Orphanet 145, MedGen C2676676, MONDO:0011450, OMIM 604370. Disease mechanism: loss of function.

Submissions (3):

Evidence-based Network for the Interpretation of Germline Mutant Alleles (ENIGMA)
Classification: Pathogenic for Breast-ovarian cancer, familial, susceptibility to, 1. Last evaluated: 2017-12-15. Review status: reviewed by expert panel. Criteria: ENIGMA BRCA1/2 Classification Criteria (2017-06-29). Collection method: curation. Allele origin: germline. Study: ENIGMA.
Comment: Variant allele predicted to encode a truncated non-functional protein.

Ambry Genetics
Classification: Pathogenic for Hereditary cancer-predisposing syndrome. Last evaluated: 2023-12-29. Review status: criteria provided, single submitter. Criteria: Ambry Variant Classification Scheme 2023. Collection method: clinical testing. Allele origin: germline. Not counted in ClinVar's aggregate classification.
Comment: The c.3062delG pathogenic mutation, located in coding exon 9 of the BRCA1 gene, results from a deletion of one nucleotide at nucleotide position 3062, causing a translational frameshift with a predicted alternate stop codon (p.S1021Ifs*3). This alteration is expected to result in loss of function by premature protein truncation or nonsense-mediated mRNA decay. As such, this alteration is interpreted as a disease-causing mutation.

Research Molecular Genetics Laboratory, Women's College Hospital, University of Toronto
Classification: Pathogenic for Hereditary breast ovarian cancer syndrome. Last evaluated: 2014-01-31. Review status: no assertion criteria provided. Collection method: research. Allele origin: germline. Affected: yes. Study: The Canadian Open Genetics Repository (COGR). Not counted in ClinVar's aggregate classification.